The following is an entry in ClinVar:

NM_001184.4(ATR):c.2617A>C (p.Thr873Pro)

Gene: ATR (ATR checkpoint kinase; minus strand). Cytogenetic location: 3q23.
Variant type: single nucleotide variant.
Coding change: c.2617A>C on transcript NM_001184.4 (MANE Select); coding-DNA position 2617, A replaced by C.
Protein change: p.Thr873Pro; replaces threonine 873 with proline.
Molecular consequence: missense variant.
Genome position (GRCh38, 1-based): chr3:142,553,656, T>G on the plus strand (A>C on the coding strand, the complement: ATR is on the minus strand). VCF-style: chr3-142553656-T-G. GRCh37 (hg19) VCF-style: chr3-142272498-T-G.
Other names: c.2425A>C, p.Thr809Pro (NM_001354579.2); short protein forms T873P, T809P.
Identifiers: ClinVar variation 1793867 (VCV001793867.6), dbSNP rs2473383907, ClinGen allele CA354815345.

ClinVar aggregate classification (germline): Uncertain significance. Review status: criteria provided, multiple submitters, no conflicts (2 of 4 stars). 2 submissions from 2 submitters: Uncertain significance (2). Last evaluated 2024-09-02.

Conditions:
Inborn genetic diseases. Identifiers: MedGen C0950123, MeSH D030342.

Allele frequency attached by ClinVar (database versions not stated): gnomAD exomes below 0.00001.
gnomAD v4.1: 1 of 1,608,742 alleles (0.000062%); highest among the groups gnomAD compares: Admixed American, 0.0017%; no homozygotes.

Submissions (2):

Ambry Genetics
Classification: Uncertain significance for Inborn genetic diseases. Last evaluated: 2024-09-02. Review status: criteria provided, single submitter. Criteria: Ambry Variant Classification Scheme 2023. Collection method: clinical testing. Allele origin: germline.
Comment: The p.T873P variant (also known as c.2617A>C), located in coding exon 12 of the ATR gene, results from an A to C substitution at nucleotide position 2617. The threonine at codon 873 is replaced by proline, an amino acid with highly similar properties. This amino acid position is conserved. In addition, this alteration is predicted to be deleterious by in silico analysis. Since supporting evidence is limited at this time, the clinical significance of this alteration remains unclear.

Revvity Omics, Revvity
Classification: Uncertain significance. Last evaluated: 2019-11-18. Review status: criteria provided, single submitter. Criteria: ACMG Guidelines, 2015. Collection method: clinical testing. Allele origin: germline.